The following is an entry in ClinVar:

ClinVar aggregate classification (germline): Uncertain significance (1 of 4 stars; one submission).

Submission:

Labcorp Genetics (formerly Invitae), Labcorp
Classification: Uncertain significance. Last evaluated: 2024-04-25. Review status: criteria provided, single submitter. Criteria: Invitae Variant Classification Sherloc (09022015). Collection method: clinical testing. Allele origin: germline.
Comment: This sequence change replaces histidine, which is basic and polar, with tyrosine, which is neutral and polar, at codon 2152 of the MYO7A protein (p.His2152Tyr). This variant is not present in population databases (gnomAD no frequency). This variant has not been reported in the literature in individuals affected with MYO7A-related conditions. ClinVar contains an entry for this variant (Variation ID: 2141586). Advanced modeling of protein sequence and biophysical properties (such as structural, functional, and spatial information, amino acid conservation, physicochemical variation, residue mobility, and thermodynamic stability) performed at Invitae indicates that this missense variant is not expected to disrupt MYO7A protein function with a negative predictive value of 95%. In summary, the available evidence is currently insufficient to determine the role of this variant in disease. Therefore, it has been classified as a Variant of Uncertain Significance.

NM_000260.4(MYO7A):c.6454C>T (p.His2152Tyr)

Gene: MYO7A (myosin VIIA; plus strand). Cytogenetic location: 11q13.5.
Variant type: single nucleotide variant.
Coding change: c.6454C>T on transcript NM_000260.4 (MANE Select); coding-DNA position 6454, C replaced by T.
Protein change: p.His2152Tyr; replaces histidine 2152 with tyrosine.
Molecular consequence: missense variant.
Genome position (GRCh38, 1-based): chr11:77,213,875, C>T. VCF-style: chr11-77213875-C-T. GRCh37 (hg19) VCF-style: chr11-76924920-C-T.
Other names: c.6334C>T, p.His2112Tyr (NM_001127180.2); c.6307C>T, p.His2103Tyr (NM_001369365.1); short protein forms H2152Y, H2103Y, H2112Y.
Identifiers: ClinVar variation 2141586 (VCV002141586.4), dbSNP rs2497837728, ClinGen allele CA381937811.